The following is an entry in ClinVar:

ClinVar aggregate classification (germline): Uncertain significance (1 of 4 stars; one submission).

Submission:

Labcorp Genetics (formerly Invitae), Labcorp
Classification: Uncertain significance. Last evaluated: 2025-02-14. Review status: criteria provided, single submitter. Criteria: Invitae Variant Classification Sherloc (09022015). Collection method: clinical testing. Allele origin: germline.
Comment: This sequence change replaces aspartic acid, which is acidic and polar, with glutamic acid, which is acidic and polar, at codon 795 of the CDK13 protein (p.Asp795Glu). This variant is not present in population databases (gnomAD no frequency). This variant has not been reported in the literature in individuals affected with CDK13-related conditions. Invitae Evidence Modeling of protein sequence and biophysical properties (such as structural, functional, and spatial information, amino acid conservation, physicochemical variation, residue mobility, and thermodynamic stability) indicates that this missense variant is expected to disrupt CDK13 protein function with a positive predictive value of 95%. In summary, the available evidence is currently insufficient to determine the role of this variant in disease. Therefore, it has been classified as a Variant of Uncertain Significance.

NM_003718.5(CDK13):c.2385C>A (p.Asp795Glu)

Gene: CDK13 (cyclin dependent kinase 13; plus strand). Cytogenetic location: 7p14.1.
Variant type: single nucleotide variant.
Coding change: c.2385C>A on transcript NM_003718.5 (MANE Select); coding-DNA position 2385, C replaced by A.
Protein change: p.Asp795Glu; replaces aspartic acid 795 with glutamic acid.
Molecular consequence: missense variant.
Genome position (GRCh38, 1-based): chr7:40,045,867, C>A. VCF-style: chr7-40045867-C-A. GRCh37 (hg19) VCF-style: chr7-40085466-C-A.
Other names: c.2385C>A, p.Asp795Glu (NM_031267.4); short protein forms D795E.
Identifiers: ClinVar variation 4745703 (VCV004745703.1).